The following is an entry in ClinVar:

ClinVar aggregate classification (germline): Uncertain significance. Review status: criteria provided, multiple submitters, no conflicts (2 of 4 stars). 2 submissions from 2 submitters: Uncertain significance (2). Last evaluated 2026-03-20.

Conditions:
Inborn genetic diseases. Identifiers: MedGen C0950123, MeSH D030342.

Allele frequency attached by ClinVar (database versions not stated): gnomAD 0.00001; gnomAD exomes 0.00001.

Submissions (2):

Women's Health and Genetics/Laboratory Corporation of America, LabCorp
Classification: Uncertain significance. Last evaluated: 2026-03-20. Review status: criteria provided, single submitter. Criteria: LabCorp Variant Classification Summary - May 2015. Collection method: clinical testing. Allele origin: germline.
Comment: Variant summary: TMEM231 c.148T>C (p.Trp50Arg) results in a non-conservative amino acid change in the encoded protein sequence. Algorithms developed to predict the effect of missense changes on protein structure and function all suggest that this variant is likely to be disruptive. The frequency data for this variant in gnomAD is considered unreliable, as metrics indicate poor data quality at this position. To our knowledge, no occurrence of c.148T>C in individuals affected with TMEM231-related conditions and no experimental evidence demonstrating its impact on protein function have been reported. ClinVar contains an entry for this variant (Variation ID: 1804706). Based on the evidence outlined above, the variant was classified as uncertain significance.

Ambry Genetics
Classification: Uncertain significance for Inborn genetic diseases. Last evaluated: 2024-04-29. Review status: criteria provided, single submitter. Criteria: Ambry Variant Classification Scheme 2023. Collection method: clinical testing. Allele origin: germline.

NM_001077418.3(TMEM231):c.86T>C (p.Leu29Pro)

Gene: TMEM231 (transmembrane protein 231; minus strand). Cytogenetic location: 16q23.1.
Variant type: single nucleotide variant.
Coding change: c.86T>C on transcript NM_001077418.3 (MANE Select); coding-DNA position 86, T replaced by C.
Protein change: p.Leu29Pro; replaces leucine 29 with proline.
Molecular consequence: missense variant. On other transcripts: non-coding transcript variant (1).
Genome position (GRCh38, 1-based): chr16:75,556,124, A>G on the plus strand (T>C on the coding strand, the complement: TMEM231 is on the minus strand). VCF-style: chr16-75556124-A-G. GRCh37 (hg19) VCF-style: chr16-75590022-A-G.
Other names: c.148T>C, p.Trp50Arg (NM_001077416.2); c.76T>C (NM_001077416.1); short protein forms L29P, W50R.
Identifiers: ClinVar variation 1804706 (VCV001804706.3), dbSNP rs1330183260, ClinGen allele CA396810275.